The following is an entry in ClinVar:

ClinVar aggregate classification (germline): Likely benign. Review status: criteria provided, multiple submitters, no conflicts (2 of 4 stars). 3 submissions from 3 submitters: Likely benign (3). Last evaluated 2025-04-01.

Allele frequency attached by ClinVar (database versions not stated): 1000 Genomes Project 30x 0.00219; 1000 Genomes Project 0.00260; ExAC 0.00563; TOPMed 0.00569; gnomAD 0.00616 and 0.00656; ESP Exome Variant Server 0.00700.
gnomAD v4.1: 13,382 of 1,609,744 alleles (0.83%); highest among the groups gnomAD compares: Non-Finnish European, 1%; 68 homozygotes.

Submissions (3):

CeGaT Center for Human Genetics Tuebingen
Classification: Likely benign. Last evaluated: 2025-04-01. Review status: criteria provided, single submitter. Criteria: CeGaT Center For Human Genetics Tuebingen Variant Classification Criteria Version 2. Collection method: clinical testing. Allele origin: germline. Affected: yes. Observed: 3 variant alleles.
Comment: CNTN6: BP4, BS2

Labcorp Genetics (formerly Invitae), Labcorp
Classification: Likely benign. Last evaluated: 2018-07-06. Review status: criteria provided, single submitter. Criteria: Invitae Variant Classification Sherloc (09022015). Collection method: clinical testing. Allele origin: germline.

Breakthrough Genomics
Classification: Likely benign. Review status: criteria provided, single submitter. Criteria: ACMG Guidelines, 2015. Collection method: not provided. Allele origin: germline. Inheritance: Unknown mechanism. Affected: yes.

NM_001289080.2(CNTN6):c.908G>A (p.Arg303Gln)

Gene: CNTN6 (contactin 6; plus strand). Cytogenetic location: 3p26.3.
Variant type: single nucleotide variant.
Coding change: c.908G>A on transcript NM_001289080.2 (MANE Select); coding-DNA position 908, G replaced by A.
Protein change: p.Arg303Gln; replaces arginine 303 with glutamine.
Molecular consequence: missense variant. On other transcripts: 5 prime UTR variant (3), intron variant (2).
Genome position (GRCh38, 1-based): chr3:1,321,796, G>A. VCF-style: chr3-1321796-G-A. GRCh37 (hg19) VCF-style: chr3-1363480-G-A.
Other names: c.692G>A, p.Arg231Gln (NM_001289081.2); c.908G>A, p.Arg303Gln (NM_001349350.2, NM_001349351.2, NM_001349352.2 and 4 more transcripts); c.800G>A, p.Arg267Gln (NM_001349356.2); c.596G>A, p.Arg199Gln (NM_001349357.2); c.-215G>A (NM_001349360.2, NM_001349361.2, NM_001349362.2); c.659-7989G>A (NM_001349358.2); c.-176-4019G>A (NM_001349359.2); short protein forms R231Q, R267Q, R303Q, R199Q.
Identifiers: ClinVar variation 770348 (VCV000770348.28), dbSNP rs41293401, ClinGen allele CA2225965.